The following is an entry in ClinVar:

NM_015627.3(LDLRAP1):c.-29G>C

Genes: LDLRAP1 (low density lipoprotein receptor adaptor protein 1; plus strand), LOC129929773 (ATAC-STARR-seq lymphoblastoid silent region 456; plus strand). Cytogenetic location: 1p36.11.
Variant type: single nucleotide variant.
Coding change: c.-29G>C on transcript NM_015627.3 (MANE Select); 29 bases upstream of the start codon, G replaced by C.
Molecular consequence: 5 prime UTR variant.
Genome position (GRCh38, 1-based): chr1:25,543,670, G>C. VCF-style: chr1-25543670-G-C. GRCh37 (hg19) VCF-style: chr1-25870161-G-C.
Identifiers: ClinVar variation 3029177 (VCV003029177.2), dbSNP rs1378657299, ClinGen allele CA734407931.
Genomic context (GRCh38, chr1:25,543,670, plus strand): 5'-CGCGCAGCCCGCGCGCCGCAGGGCCGGGCGGAAAGTTTTTCCTGACGGAGTTTTGGCTGC[G>C]GCAGCGGCGGCGGCGGCCGGAGCGGGCCATGGACGCGCTCAAGTCGGCGGGGCGGGCGCT-3'

ClinVar aggregate classification (germline): Likely benign (0 of 4 stars; one submission).

Conditions:
LDLRAP1-related disorder. Also called: LDLRAP1-related condition.

Allele frequency attached by ClinVar (database versions not stated): gnomAD 0.00001; TOPMed 0.00001.
gnomAD v4.1: 19 of 1,208,646 alleles (0.0016%); highest among the groups gnomAD compares: Non-Finnish European, 0.0019%; no homozygotes.

Submission:

PreventionGenetics, part of Exact Sciences
Classification: Likely benign for LDLRAP1-related condition. Last evaluated: 2021-05-03. Review status: no assertion criteria provided. Collection method: clinical testing. Allele origin: germline.
Comment: This variant is classified as likely benign based on ACMG/AMP sequence variant interpretation guidelines (Richards et al. 2015 PMID: 25741868, with internal and published modifications).